The following is an entry in ClinVar:

ClinVar aggregate classification (germline): Uncertain significance (1 of 4 stars; one submission).

Conditions:
Hereditary spastic paraplegia 4. Also called: Spastic paraplegia 4, autosomal dominant; Spastic Paraplegia 4; Familial spastic paraplegia autosomal dominant 2. Identifiers: Orphanet 100985, MedGen C1866855, MONDO:0008438, OMIM 182601.

Submission:

Labcorp Genetics (formerly Invitae), Labcorp
Classification: Uncertain significance for Hereditary spastic paraplegia 4. Last evaluated: 2025-12-12. Review status: criteria provided, single submitter. Criteria: Invitae Variant Classification Sherloc (09022015). Collection method: clinical testing. Allele origin: germline.
Comment: This sequence change falls in intron 13 of the SPAST gene. It does not directly change the encoded amino acid sequence of the SPAST protein. It affects a nucleotide within the consensus splice site. This variant is not present in population databases (gnomAD no frequency). This variant has been observed in individual(s) with spastic dyplegia and gait abnormality toe (internal data). ClinVar contains an entry for this variant (Variation ID: 665500). Variants that disrupt the consensus splice site are a relatively common cause of aberrant splicing (PMID: 17576681, 9536098). Algorithms developed to predict the effect of sequence changes on RNA splicing suggest that this variant may disrupt the consensus splice site. In summary, the available evidence is currently insufficient to determine the role of this variant in disease. Therefore, it has been classified as a Variant of Uncertain Significance.

Literature cited by the submitters: PubMed 17576681; PubMed 9536098.

NM_014946.4(SPAST):c.1536+2dup

Gene: SPAST (spastin; plus strand). Cytogenetic location: 2p22.3.
Variant type: Duplication.
Coding change: c.1536+2dup on transcript NM_014946.4 (MANE Select); the canonical splice donor site of the intron after coding-DNA position 1536, one base duplicated (T; older notation c.1536+2dupT).
Molecular consequence: splice donor variant.
Genome position (GRCh38, 1-based): chr2:32,141,948, T duplicated. VCF-style (leftmost placement, unchanged base first): chr2-32141947-G-GT. GRCh37 (hg19) VCF-style: chr2-32367016-G-GT.
Other names: c.1440+2dup (NM_199436.2, NM_001377959.1); c.1533+2dup (NM_001363823.2); c.1437+2dup (NM_001363875.2).
Identifiers: ClinVar variation 665500 (VCV000665500.10), dbSNP rs1573165113, ClinGen allele CA915943728.